The following is an entry in ClinVar:

ClinVar aggregate classification (germline): Uncertain significance (1 of 4 stars; one submission).

Conditions:
Hereditary cancer-predisposing syndrome. Also called: Tumor predisposition; Hereditary Cancer Syndrome; Hereditary neoplastic syndrome; Neoplastic Syndromes, Hereditary. Identifiers: Orphanet 140162, MedGen C0027672, MeSH D009386, MONDO:0015356.

Submission:

Ambry Genetics
Classification: Uncertain significance for Hereditary cancer-predisposing syndrome. Last evaluated: 2025-10-25. Review status: criteria provided, single submitter. Criteria: Ambry Variant Classification Scheme 2023. Collection method: clinical testing. Allele origin: germline.
Comment: The p.G1575D variant (also known as c.4724G>A), located in coding exon 32 of the SMARCA4 gene, results from a G to A substitution at nucleotide position 4724. The glycine at codon 1575 is replaced by aspartic acid, an amino acid with similar properties. This amino acid position is conserved. In addition, the in silico prediction for this alteration is inconclusive. Based on the available evidence, the clinical significance of this variant remains unclear.

NM_003072.5(SMARCA4):c.4628G>A (p.Gly1543Asp)

Gene: SMARCA4 (SWI/SNF related BAF chromatin remodeling complex subunit ATPase 4; plus strand). Cytogenetic location: 19p13.2.
Variant type: single nucleotide variant.
Coding change: c.4628G>A on transcript NM_003072.5 (MANE Select); coding-DNA position 4628, G replaced by A.
Protein change: p.Gly1543Asp; replaces glycine 1543 with aspartic acid.
Molecular consequence: missense variant. On other transcripts: non-coding transcript variant (1).
Genome position (GRCh38, 1-based): chr19:11,058,882, G>A. VCF-style: chr19-11058882-G-A. GRCh37 (hg19) VCF-style: chr19-11169558-G-A.
Other names: c.4628G>A, p.Gly1543Asp (NM_001128844.3); c.4538G>A, p.Gly1513Asp (NM_001128845.2); c.4535G>A, p.Gly1512Asp (NM_001128846.2); c.4529G>A, p.Gly1510Asp (NM_001128847.4, NM_001374457.1); c.4526G>A, p.Gly1509Asp (NM_001128848.2); c.4724G>A, p.Gly1575Asp (NM_001128849.3, NM_001387283.1); c.4625G>A, p.Gly1542Asp (NM_001411150.1); short protein forms G1509D, G1510D, G1513D, G1543D, G1512D, G1542D, G1575D.
Identifiers: ClinVar variation 4549537 (VCV004549537.1).
Genomic context (GRCh38, chr19:11,058,882, plus strand): 5'-ACGACCTAGAGAAGGACGTCATGCTCCTGTGCCAGAACGCACAGACCTTCAACCTGGAGG[G>A]CTCCCTGGTGAGGGCACCGCTGGGGGTTGGGGATGGGCCACTCCCACAGCTGGGCTTTGA-3'
Protein context (NP_003063.2, residues 1533-1553): CQNAQTFNLE[Gly1543Asp]SLIYEDSIVL